The following is an entry in ClinVar:

NM_003730.6(RNASET2):c.332+1G>T

Gene: RNASET2 (ribonuclease T2; minus strand). Cytogenetic location: 6q27.
Variant type: single nucleotide variant.
Coding change: c.332+1G>T on transcript NM_003730.6 (MANE Select); the canonical splice donor site of the intron after coding-DNA position 332, G replaced by T.
Molecular consequence: splice donor variant.
Genome position (GRCh38, 1-based): chr6:166,943,018, C>A on the plus strand (G>T on the coding strand, the complement: RNASET2 is on the minus strand). VCF-style: chr6-166943018-C-A. GRCh37 (hg19) VCF-style: chr6-167356506-C-A.
Identifiers: ClinVar variation 2576615 (VCV002576615.4), dbSNP rs2483216603, ClinGen allele CA366406937.
Genomic context (GRCh38, chr6:166,943,018, plus strand): 5'-ATCACGCTCCCCACACCCGCTCAGACAGTAATCAAGACAGCAATCAGAGGCTGGGACTTA[C>A]CAGAAGCGGCTGCGATTGGGAAACGAGTGAATTACGTCAGGCCAGTATGCCCTCATTTCT-3'

ClinVar aggregate classification (germline): Pathogenic. Review status: criteria provided, multiple submitters, no conflicts (2 of 4 stars). 2 submissions from 2 submitters: Pathogenic (2). Last evaluated 2025-05-07.

Conditions:
Cystic leukoencephalopathy without megalencephaly. Identifiers: Orphanet 85136, MedGen C2751843, MONDO:0013058, OMIM 612951.

Submissions (2):

Neurogenetics Team, Indira Gandhi Institute of Child Health
Classification: Pathogenic for Cystic leukoencephalopathy without megalencephaly. Last evaluated: 2025-05-07. Review status: criteria provided, single submitter. Criteria: ACMG Guidelines, 2015. Collection method: clinical testing. Allele origin: biparental. Inheritance: Autosomal recessive inheritance. Affected: yes. Observed: 1 homozygote.
Comment: The splice variant reported here, c.332+1G>T is absent in population database, gnomAD (PM2). The variant is identified in a gene where loss of function is a known mechanism of disease causation. The variant is predicted to disrupt the reading frame (PVS1). This variant has been previously reported in ClinVar as pathogenic with Accession number: VCV002576615.3 (PP5). Based on the above criteria, the variant is classified as pathogenic.

Institute of Human Genetics, University of Leipzig Medical Center
Classification: Pathogenic for Cystic leukoencephalopathy without megalencephaly. Last evaluated: 2023-05-10. Review status: criteria provided, single submitter. Criteria: ACMG Guidelines, 2015. Collection method: clinical testing. Allele origin: paternal. Inheritance: Autosomal recessive inheritance. Affected: yes.
Comment: Criteria applied: PVS1,PM3,PM2_SUP